The following is an entry in ClinVar:

ClinVar aggregate classification (germline): Pathogenic. Review status: criteria provided, multiple submitters, no conflicts (2 of 4 stars). 3 submissions from 2 submitters: Pathogenic (3). Last evaluated 2019-07-08.

Conditions:
Hereditary cancer-predisposing syndrome. Also called: Hereditary neoplastic syndrome; Hereditary Cancer Syndrome; Neoplastic Syndromes, Hereditary; Tumor predisposition. Identifiers: Orphanet 140162, MedGen C0027672, MeSH D009386, MONDO:0015356.
Hereditary nonpolyposis colorectal neoplasms. Identifiers: MedGen C0009405, MeSH D003123.
Lynch syndrome. Identifiers: Orphanet 144, MedGen C4552100, MONDO:0005835. Disease mechanism: loss of function.

Submissions (3):

Ambry Genetics
Classification: Pathogenic for Hereditary cancer-predisposing syndrome. Last evaluated: 2019-07-08. Review status: criteria provided, single submitter. Criteria: Ambry Variant Classification Scheme 2023. Collection method: clinical testing. Allele origin: germline.
Comment: The c.3717_3721dupAAAAT pathogenic mutation, located in coding exon 8 of the MSH6 gene, results from a duplication of AAAAT at nucleotide position 3717, causing a translational frameshift with a predicted alternate stop codon (p.C1241*). This alteration is expected to result in loss of function by premature protein truncation or nonsense-mediated mRNA decay. As such, this alteration is interpreted as a disease-causing mutation.

Labcorp Genetics (formerly Invitae), Labcorp
Classification: Pathogenic for Hereditary nonpolyposis colorectal neoplasms. Last evaluated: 2015-12-28. Review status: criteria provided, single submitter. Criteria: Invitae Variant Classification Sherloc (09022015). Collection method: clinical testing. Allele origin: germline.
Comment: This sequence change duplicates 5 nucleotides in exon 8 of the MSH6 mRNA (c.3717_3721dupAAAAT), causing a frameshift at codon 1241. This creates a premature translational stop signal (p.Cys1241*) and is expected to result in an absent or disrupted protein product. While this particular variant has not been reported in the literature, truncating variants in MSH6 are known to be pathogenic (PMID: 24362816, 18269114). For these reasons, this variant has been classified as Pathogenic.

Labcorp Genetics (formerly Invitae), Labcorp
Classification: Pathogenic for Hereditary nonpolyposis colorectal neoplasms. Last evaluated: 2015-12-28. Review status: criteria provided, single submitter. Criteria: Invitae Variant Classification Sherloc (09022015). Collection method: clinical testing. Allele origin: germline.
Comment: For these reasons, this variant has been classified as Pathogenic. While this particular variant has not been reported in the literature, truncating variants in MSH6 are known to be pathogenic (PMID: 24362816, 18269114). This sequence change duplicates 5 nucleotides in exon 8 of the MSH6 mRNA (c.3717_3721dupAAAAT), causing a frameshift at codon 1241. This creates a premature translational stop signal (p.Cys1241*) and is expected to result in an absent or disrupted protein product.

Literature cited by the submitters: PubMed 24362816 (cited by Labcorp Genetics (formerly Invitae), Labcorp); PubMed 18269114 (cited by Labcorp Genetics (formerly Invitae), Labcorp).

NM_000179.3(MSH6):c.3717_3721dup (p.Cys1241Ter)

Gene: MSH6 (mutS homolog 6; plus strand). Cytogenetic location: 2p16.3.
Variant type: Duplication.
Coding change: c.3717_3721dup on transcript NM_000179.3 (MANE Select); coding-DNA positions 3717 to 3721, 5 bases duplicated (AAAAT; older notation c.3717_3721dupAAAAT).
Protein change: p.Cys1241Ter; replaces cysteine 1241 with a stop codon.
Molecular consequence: nonsense.
Genome position (GRCh38, 1-based): chr2:47,806,274-47,806,278, AAAAT duplicated; duplicating any 5 consecutive bases within chr2:47,806,272-47,806,278 gives the same sequence; the c. name uses the placement nearest the transcript's 3' end. VCF-style (leftmost placement, unchanged base first): chr2-47806271-T-TATAAA. GRCh37 (hg19) VCF-style: chr2-48033410-T-TATAAA.
Other names: c.3327_3331dup, p.Cys1111Ter (NM_001281492.2); c.2811_2815dup, p.Cys939Ter (NM_001281493.2, NM_001281494.2); c.3717_3721dupAAAAT (NM_000179.2); short protein forms C939*, C1111*, C1241*.
Identifiers: ClinVar variation 237195 (VCV000237195.10), dbSNP rs878853736, ClinGen allele CA10582087.